The following is an entry in ClinVar:

NM_001852.4(COL9A2):c.1323+24C>T

Gene: COL9A2 (collagen type IX alpha 2 chain; minus strand). Cytogenetic location: 1p34.2.
Variant type: single nucleotide variant.
Coding change: c.1323+24C>T on transcript NM_001852.4 (MANE Select); 24 bases into the intron after coding-DNA position 1323, C replaced by T.
Molecular consequence: intron variant.
Genome position (GRCh38, 1-based): chr1:40,304,040, G>A on the plus strand (C>T on the coding strand, the complement: COL9A2 is on the minus strand). VCF-style: chr1-40304040-G-A. GRCh37 (hg19) VCF-style: chr1-40769712-G-A.
Identifiers: ClinVar variation 679481 (VCV000679481.2), dbSNP rs146731672, ClinGen allele CA791487.

ClinVar aggregate classification (germline): Likely benign. Review status: criteria provided, multiple submitters, no conflicts (2 of 4 stars). 2 submissions from 2 submitters: Likely benign (2). Last evaluated 2018-06-19.

Allele frequency attached by ClinVar (database versions not stated): 1000 Genomes Project 0.00499; 1000 Genomes Project 30x 0.00500; ESP Exome Variant Server 0.01234; TOPMed 0.01265; gnomAD 0.01436; ExAC 0.02434.
gnomAD v4.1: 28,293 of 1,577,472 alleles (1.8%); highest among the groups gnomAD compares: Non-Finnish European, 2.1%; 300 homozygotes.

Submissions (2):

GeneDx
Classification: Likely benign. Last evaluated: 2018-06-19. Review status: criteria provided, single submitter. Criteria: GeneDx Variant Classification (06012015). Collection method: clinical testing. Allele origin: germline. Affected: yes.
Comment: This variant is considered likely benign or benign based on one or more of the following criteria: it is a conservative change, it occurs at a poorly conserved position in the protein, it is predicted to be benign by multiple in silico algorithms, and/or has population frequency not consistent with disease.

Breakthrough Genomics
Classification: Likely benign. Review status: criteria provided, single submitter. Criteria: ACMG Guidelines, 2015. Collection method: not provided. Allele origin: germline. Inheritance: Autosomal recessive inheritance. Affected: yes.